The following is an entry in ClinVar:

ClinVar aggregate classification (germline): Uncertain significance (1 of 4 stars; one submission).

Conditions:
Charcot-Marie-Tooth disease X-linked dominant 6. Also called: CHARCOT-MARIE-TOOTH NEUROPATHY, X-LINKED DOMINANT, 6. Identifiers: Orphanet 352675, MedGen C3806702, MONDO:0010479, OMIM 300905.

Allele frequency attached by ClinVar (database versions not stated): gnomAD exomes below 0.00001 and 0.00001.
gnomAD v4.1: 5 of 1,210,054 alleles (0.00041%); highest among the groups gnomAD compares: Non-Finnish European, 0.00056%; no homozygotes.

Submission:

Labcorp Genetics (formerly Invitae), Labcorp
Classification: Uncertain significance for Charcot-Marie-Tooth disease X-linked dominant 6. Last evaluated: 2021-03-06. Review status: criteria provided, single submitter. Criteria: Invitae Variant Classification Sherloc (09022015). Collection method: clinical testing. Allele origin: germline.
Comment: In summary, the available evidence is currently insufficient to determine the role of this variant in disease. Therefore, it has been classified as a Variant of Uncertain Significance. Algorithms developed to predict the effect of missense changes on protein structure and function (SIFT, PolyPhen-2, Align-GVGD) all suggest that this variant is likely to be tolerated, but these predictions have not been confirmed by published functional studies and their clinical significance is uncertain. This variant has not been reported in the literature in individuals with PDK3-related conditions. This variant is not present in population databases (ExAC no frequency). This sequence change replaces threonine with methionine at codon 383 of the PDK3 protein (p.Thr383Met). The threonine residue is moderately conserved and there is a moderate physicochemical difference between threonine and methionine.

NM_005391.5(PDK3):c.1148C>T (p.Thr383Met)

Gene: PDK3 (pyruvate dehydrogenase kinase 3; plus strand). Cytogenetic location: Xp22.11.
Variant type: single nucleotide variant.
Coding change: c.1148C>T on transcript NM_005391.5 (MANE Select); coding-DNA position 1148, C replaced by T.
Protein change: p.Thr383Met; replaces threonine 383 with methionine.
Molecular consequence: missense variant.
Genome position (GRCh38, 1-based): chrX:24,533,999, C>T. VCF-style: chrX-24533999-C-T. GRCh37 (hg19) VCF-style: chrX-24552116-C-T.
Other names: c.1148C>T, p.Thr383Met (NM_001142386.3); short protein forms T383M.
Identifiers: ClinVar variation 1022450 (VCV001022450.9), dbSNP rs1442646183, ClinGen allele CA412603765.